The following is an entry in ClinVar:

NM_001033046.4(CYBC1):c.440G>A (p.Arg147His)

Gene: CYBC1 (cytochrome b-245 chaperone 1; minus strand). Cytogenetic location: 17q25.3.
Variant type: single nucleotide variant.
Coding change: c.440G>A on transcript NM_001033046.4 (MANE Select); coding-DNA position 440, G replaced by A.
Protein change: p.Arg147His; replaces arginine 147 with histidine.
Molecular consequence: missense variant. On other transcripts: non-coding transcript variant (4).
Genome position (GRCh38, 1-based): chr17:82,444,450, C>T on the plus strand (G>A on the coding strand, the complement: CYBC1 is on the minus strand). VCF-style: chr17-82444450-C-T. GRCh37 (hg19) VCF-style: chr17-80402326-C-T.
Other names: c.440G>A, p.Arg147His (NM_001100407.3, NM_001193653.2, NM_001193654.2 and 2 more transcripts); c.398G>A, p.Arg133His (NM_001100408.3); short protein forms R133H, R147H.
Identifiers: ClinVar variation 1682700 (VCV001682700.3), dbSNP rs143814965, ClinGen allele CA8858203.

ClinVar aggregate classification (germline): Uncertain significance (1 of 4 stars; one submission).

Allele frequency attached by ClinVar (database versions not stated): gnomAD exomes 0.00006; ExAC 0.00007; ESP Exome Variant Server 0.00023.
gnomAD v4.1: 62 of 1,605,292 alleles (0.0039%); highest among the groups gnomAD compares: Middle Eastern, 0.033%; no homozygotes.

Submission:

Labcorp Genetics (formerly Invitae), Labcorp
Classification: Uncertain significance. Last evaluated: 2022-08-19. Review status: criteria provided, single submitter. Criteria: Invitae Variant Classification Sherloc (09022015). Collection method: clinical testing. Allele origin: germline.
Comment: This sequence change replaces arginine, which is basic and polar, with histidine, which is basic and polar, at codon 147 of the C17orf62 protein (p.Arg147His). This variant is present in population databases (rs143814965, gnomAD 0.01%). This variant has not been reported in the literature in individuals affected with C17orf62-related conditions. ClinVar contains an entry for this variant (Variation ID: 1682700). Algorithms developed to predict the effect of missense changes on protein structure and function output the following: SIFT: "Deleterious"; PolyPhen-2: "Benign"; Align-GVGD: "Class C0". The histidine amino acid residue is found in multiple mammalian species, which suggests that this missense change does not adversely affect protein function. In summary, the available evidence is currently insufficient to determine the role of this variant in disease. Therefore, it has been classified as a Variant of Uncertain Significance.